The following is an entry in ClinVar:

ClinVar aggregate classification (germline): Uncertain significance (1 of 4 stars; one submission).

Submission:

Labcorp Genetics (formerly Invitae), Labcorp
Classification: Uncertain significance. Last evaluated: 2022-07-19. Review status: criteria provided, single submitter. Criteria: Invitae Variant Classification Sherloc (09022015). Collection method: clinical testing. Allele origin: germline.
Comment: This variant is not present in population databases (gnomAD no frequency). In summary, the available evidence is currently insufficient to determine the role of this variant in disease. Therefore, it has been classified as a Variant of Uncertain Significance. Algorithms developed to predict the effect of missense changes on protein structure and function (SIFT, PolyPhen-2, Align-GVGD) all suggest that this variant is likely to be tolerated. This variant has not been reported in the literature in individuals affected with SLC24A1-related conditions. This sequence change replaces glutamine, which is neutral and polar, with glutamic acid, which is acidic and polar, at codon 869 of the SLC24A1 protein (p.Gln869Glu).

NM_004727.3(SLC24A1):c.2605C>G (p.Gln869Glu)

Gene: SLC24A1 (solute carrier family 24 member 1; plus strand). Cytogenetic location: 15q22.31.
Variant type: single nucleotide variant.
Coding change: c.2605C>G on transcript NM_004727.3 (MANE Select); coding-DNA position 2605, C replaced by G.
Protein change: p.Gln869Glu; replaces glutamine 869 with glutamic acid.
Molecular consequence: missense variant.
Genome position (GRCh38, 1-based): chr15:65,650,754, C>G. VCF-style: chr15-65650754-C-G. GRCh37 (hg19) VCF-style: chr15-65943092-C-G.
Other names: c.586C>G, p.Gln196Glu (NM_001254740.2); c.2605C>G, p.Gln869Glu (NM_001301031.1); c.2551C>G, p.Gln851Glu (NM_001301032.1, NM_001301033.2); c.2263C>G, p.Gln755Glu (NM_001411142.1); short protein forms Q851E, Q869E, Q196E, Q755E.
Identifiers: ClinVar variation 2007434 (VCV002007434.4), dbSNP rs1035903882, ClinGen allele CA271571379.